The following is an entry in ClinVar:

ClinVar aggregate classification (germline): Uncertain significance (1 of 4 stars; one submission).

Conditions:
Epileptic encephalopathy. Identifiers: MedGen C0543888, HP:0200134.

Allele frequency attached by ClinVar (database versions not stated): gnomAD exomes below 0.00001.
gnomAD v4.1: 1 of 1,610,892 alleles (0.000062%); highest among the groups gnomAD compares: Non-Finnish European, 0.000085%; no homozygotes.

Submission:

Labcorp Genetics (formerly Invitae), Labcorp
Classification: Uncertain significance for Epileptic encephalopathy. Last evaluated: 2024-04-11. Review status: criteria provided, single submitter. Criteria: Invitae Variant Classification Sherloc (09022015). Collection method: clinical testing. Allele origin: germline.
Comment: This sequence change replaces alanine, which is neutral and non-polar, with valine, which is neutral and non-polar, at codon 2211 of the FASN protein (p.Ala2211Val). This variant is not present in population databases (gnomAD no frequency). This variant has not been reported in the literature in individuals affected with FASN-related conditions. ClinVar contains an entry for this variant (Variation ID: 839044). Algorithms developed to predict the effect of missense changes on protein structure and function output the following: SIFT: "Not Available"; PolyPhen-2: "Benign"; Align-GVGD: "Not Available". The valine amino acid residue is found in multiple mammalian species, which suggests that this missense change does not adversely affect protein function. In summary, the available evidence is currently insufficient to determine the role of this variant in disease. Therefore, it has been classified as a Variant of Uncertain Significance.

NM_004104.5(FASN):c.6632C>T (p.Ala2211Val)

Gene: FASN (fatty acid synthase; minus strand). Cytogenetic location: 17q25.3.
Variant type: single nucleotide variant.
Coding change: c.6632C>T on transcript NM_004104.5 (MANE Select); coding-DNA position 6632, C replaced by T.
Protein change: p.Ala2211Val; replaces alanine 2211 with valine.
Molecular consequence: missense variant.
Genome position (GRCh38, 1-based): chr17:82,080,886, G>A on the plus strand (C>T on the coding strand, the complement: FASN is on the minus strand). VCF-style: chr17-82080886-G-A. GRCh37 (hg19) VCF-style: chr17-80038762-G-A.
Other names: short protein forms A2211V.
Identifiers: ClinVar variation 839044 (VCV000839044.9), dbSNP rs2033975378, ClinGen allele CA401598979.
Genomic context (GRCh38, chr17:82,080,886, plus strand): 5'-AGGGTGGGGCCCTCCGGGTTCACCAGCAGGGAGCGCAGGTTCAGCTGAGTCTGCTGCTGG[G>A]CCAGACCATCCTCCTTGGGCGTGGGGCATGCCAGCTCTGTGAAGACAGGGGCAGATGCCA-3'
Protein context (NP_004095.4, residues 2201-2221): ACPTPKEDGL[Ala2211Val]QQQTQLNLRS